The following is an entry in ClinVar:

NM_001291303.3(FAT4):c.1687G>T (p.Val563Leu)

Gene: FAT4 (FAT atypical cadherin 4; plus strand). Cytogenetic location: 4q28.1.
Variant type: single nucleotide variant.
Coding change: c.1687G>T on transcript NM_001291303.3 (MANE Select); coding-DNA position 1687, G replaced by T.
Protein change: p.Val563Leu; replaces valine 563 with leucine.
Molecular consequence: missense variant.
Genome position (GRCh38, 1-based): chr4:125,318,098, G>T. VCF-style: chr4-125318098-G-T. GRCh37 (hg19) VCF-style: chr4-126239253-G-T.
Other names: c.1687G>T (NM_001291303.1); c.1687G>T, p.Val563Leu (NM_001291285.3, NM_024582.6); short protein forms V563L.
Identifiers: ClinVar variation 1398820 (VCV001398820.7), dbSNP rs377621635, ClinGen allele CA3072037.

ClinVar aggregate classification (germline): Uncertain significance. Review status: criteria provided, multiple submitters, no conflicts (2 of 4 stars). 2 submissions from 2 submitters: Uncertain significance (2). Last evaluated 2025-01-13.

Conditions:
FAT4-related disorder. Also called: FAT4-related condition.

Allele frequency attached by ClinVar (database versions not stated): ExAC 0.00005; ESP Exome Variant Server 0.00008.
gnomAD v4.1: 15 of 1,614,020 alleles (0.00093%); highest among the groups gnomAD compares: African/African-American, 0.0013%; no homozygotes.

Submissions (2):

PreventionGenetics, part of Exact Sciences
Classification: Uncertain significance for FAT4-related condition. Last evaluated: 2025-01-13. Review status: criteria provided, single submitter. Criteria: ACMG Guidelines, 2015. Collection method: clinical testing. Allele origin: germline.
Comment: The FAT4 c.1687G>T variant is predicted to result in the amino acid substitution p.Val563Leu. To our knowledge, this variant has not been reported in the literature. This variant is reported in 0.0035% of alleles in individuals of European (non-Finnish) descent in gnomAD. At this time, the clinical significance of this variant is uncertain due to the absence of conclusive functional and genetic evidence.

Labcorp Genetics (formerly Invitae), Labcorp
Classification: Uncertain significance. Last evaluated: 2023-10-13. Review status: criteria provided, single submitter. Criteria: Invitae Variant Classification Sherloc (09022015). Collection method: clinical testing. Allele origin: germline.
Comment: This sequence change replaces valine, which is neutral and non-polar, with leucine, which is neutral and non-polar, at codon 563 of the FAT4 protein (p.Val563Leu). This variant is present in population databases (rs377621635, gnomAD 0.004%). This variant has not been reported in the literature in individuals affected with FAT4-related conditions. ClinVar contains an entry for this variant (Variation ID: 1398820). Advanced modeling of protein sequence and biophysical properties (such as structural, functional, and spatial information, amino acid conservation, physicochemical variation, residue mobility, and thermodynamic stability) has been performed at Invitae for this missense variant, however the output from this modeling did not meet the statistical confidence thresholds required to predict the impact of this variant on FAT4 protein function. In summary, the available evidence is currently insufficient to determine the role of this variant in disease. Therefore, it has been classified as a Variant of Uncertain Significance.